The following is an entry in ClinVar:

NM_001171613.2(PREPL):c.874G>C (p.Val292Leu)

Gene: PREPL (prolyl endopeptidase like; minus strand). Cytogenetic location: 2p21.
Variant type: single nucleotide variant.
Coding change: c.874G>C on transcript NM_001171613.2 (MANE Select); coding-DNA position 874, G replaced by C.
Protein change: p.Val292Leu; replaces valine 292 with leucine.
Molecular consequence: missense variant. On other transcripts: intron variant (1).
Genome position (GRCh38, 1-based): chr2:44,338,365, C>G on the plus strand (G>C on the coding strand, the complement: PREPL is on the minus strand). VCF-style: chr2-44338365-C-G. GRCh37 (hg19) VCF-style: chr2-44565504-C-G.
Other names: c.1141G>C, p.Val381Leu (NM_001042386.2, NM_001171603.1, NM_001171606.2 and 3 more transcripts); c.874G>C, p.Val292Leu (NM_001171617.1, NM_001374277.1); c.969+782G>C (NM_001042385.2); short protein forms V292L, V381L.
Identifiers: ClinVar variation 2148983 (VCV002148983.4), dbSNP rs1283257840, ClinGen allele CA346691393.

ClinVar aggregate classification (germline): Uncertain significance (1 of 4 stars; one submission).

Conditions:
Myasthenic syndrome, congenital, 22 (CMS22). Also called: PREPL DEFICIENCY. Identifiers: MedGen C4479088, MONDO:0044299, OMIM 616224.

Allele frequency attached by ClinVar (database versions not stated): gnomAD 0.00002.
gnomAD v4.1: 5 of 1,611,504 alleles (0.00031%); highest among the groups gnomAD compares: African/African-American, 0.0067%; no homozygotes.

Submission:

Labcorp Genetics (formerly Invitae), Labcorp
Classification: Uncertain significance for Myasthenic syndrome, congenital, 22. Last evaluated: 2024-11-16. Review status: criteria provided, single submitter. Criteria: Invitae Variant Classification Sherloc (09022015). Collection method: clinical testing. Allele origin: germline.
Comment: This sequence change replaces valine, which is neutral and non-polar, with leucine, which is neutral and non-polar, at codon 381 of the PREPL protein (p.Val381Leu). The frequency data for this variant in the population databases is considered unreliable, as metrics indicate poor data quality at this position in the gnomAD database. This variant has not been reported in the literature in individuals affected with PREPL-related conditions. ClinVar contains an entry for this variant (Variation ID: 2148983). Invitae Evidence Modeling of protein sequence and biophysical properties (such as structural, functional, and spatial information, amino acid conservation, physicochemical variation, residue mobility, and thermodynamic stability) indicates that this missense variant is not expected to disrupt PREPL protein function with a negative predictive value of 80%. In summary, the available evidence is currently insufficient to determine the role of this variant in disease. Therefore, it has been classified as a Variant of Uncertain Significance.